The following is an entry in ClinVar:

ClinVar aggregate classification (germline): Uncertain significance (1 of 4 stars; one submission).

Conditions:
MEGF10-related myopathy (CMYO10A). Also called: Congenital myopathy 10A, severe variant. Identifiers: Orphanet 439212, MedGen C3280679, MONDO:0013731, OMIM 614399.

Allele frequency attached by ClinVar (database versions not stated): TOPMed 0.00002; gnomAD exomes 0.00007; ExAC 0.00014.
gnomAD v4.1: 32 of 1,614,114 alleles (0.002%); highest among the groups gnomAD compares: Non-Finnish European, 0.0026%; no homozygotes.

Submission:

Labcorp Genetics (formerly Invitae), Labcorp
Classification: Uncertain significance for MEGF10-related myopathy. Last evaluated: 2020-10-14. Review status: criteria provided, single submitter. Criteria: Invitae Variant Classification Sherloc (09022015). Collection method: clinical testing. Allele origin: germline.
Comment: This sequence change replaces glycine with glutamic acid at codon 505 of the MEGF10 protein (p.Gly505Glu). The glycine residue is highly conserved and there is a moderate physicochemical difference between glycine and glutamic acid. This variant is present in population databases (rs199699950, ExAC 0.03%). This variant has not been reported in the literature in individuals with MEGF10-related conditions. ClinVar contains an entry for this variant (Variation ID: 582817). Algorithms developed to predict the effect of missense changes on protein structure and function are either unavailable or do not agree on the potential impact of this missense change (SIFT: "Deleterious"; PolyPhen-2: "Benign"; Align-GVGD: "Class C65"). In summary, the available evidence is currently insufficient to determine the role of this variant in disease. Therefore, it has been classified as a Variant of Uncertain Significance.

NM_001256545.2(MEGF10):c.1514G>A (p.Gly505Glu)

Gene: MEGF10 (multiple EGF like domains 10; plus strand). Cytogenetic location: 5q23.2.
Variant type: single nucleotide variant.
Coding change: c.1514G>A on transcript NM_001256545.2 (MANE Select); coding-DNA position 1514, G replaced by A.
Protein change: p.Gly505Glu; replaces glycine 505 with glutamic acid.
Molecular consequence: missense variant.
Genome position (GRCh38, 1-based): chr5:127,420,131, G>A. VCF-style: chr5-127420131-G-A. GRCh37 (hg19) VCF-style: chr5-126755823-G-A.
Other names: c.1514G>A, p.Gly505Glu (NM_001308119.2, NM_001308121.2, NM_032446.3); short protein forms G505E.
Identifiers: ClinVar variation 582817 (VCV000582817.4), dbSNP rs199699950, ClinGen allele CA3391597.